The following is an entry in ClinVar:

NM_015241.3(MICAL3):c.3919A>G (p.Arg1307Gly)

Gene: MICAL3 (microtubule associated monooxygenase, calponin and LIM domain containing 3; minus strand). Cytogenetic location: 22q11.21.
Variant type: single nucleotide variant.
Coding change: c.3919A>G on transcript NM_015241.3 (MANE Select); coding-DNA position 3919, A replaced by G.
Protein change: p.Arg1307Gly; replaces arginine 1307 with glycine.
Molecular consequence: missense variant.
Genome position (GRCh38, 1-based): chr22:17,818,742, T>C on the plus strand (A>G on the coding strand, the complement: MICAL3 is on the minus strand). VCF-style: chr22-17818742-T-C. GRCh37 (hg19) VCF-style: chr22-18301508-T-C.
Other names: short protein forms R1307G.
Identifiers: ClinVar variation 2652846 (VCV002652846.24), dbSNP rs148613283, ClinGen allele CA10091722.

ClinVar aggregate classification (germline): Likely benign (1 of 4 stars; one submission).

Allele frequency attached by ClinVar (database versions not stated): 1000 Genomes Project 0.00240; 1000 Genomes Project 30x 0.00312; ESP Exome Variant Server 0.00421; TOPMed 0.00430; gnomAD 0.00464; gnomAD exomes 0.00611; ExAC 0.00697.
gnomAD v4.1: 9,640 of 1,602,846 alleles (0.6%); highest among the groups gnomAD compares: Middle Eastern, 1.4%; 51 homozygotes.

Submission:

CeGaT Center for Human Genetics Tuebingen
Classification: Likely benign. Last evaluated: 2023-03-01. Review status: criteria provided, single submitter. Criteria: CeGaT Center For Human Genetics Tuebingen Variant Classification Criteria Version 2. Collection method: clinical testing. Allele origin: germline. Affected: yes. Observed: 1 variant allele.
Comment: MICAL3: BP4, BS2